The following is an entry in ClinVar:

ClinVar aggregate classification (germline): Uncertain significance. Review status: criteria provided, multiple submitters, no conflicts (2 of 4 stars). 4 submissions from 4 submitters: Uncertain significance (4). Last evaluated 2025-03-10.

Conditions:
Dilated cardiomyopathy 1G (CMD1G). Identifiers: Orphanet 154, MedGen C1858763, MONDO:0011400, OMIM 604145.
Autosomal recessive limb-girdle muscular dystrophy type 2J (LGMDR10). Also called: MUSCULAR DYSTROPHY, LIMB-GIRDLE, AUTOSOMAL RECESSIVE 10; Limb-girdle muscular dystrophy, type 2J. Identifiers: Orphanet 140922, MedGen C1837342, MONDO:0012127, OMIM 608807.
Cardiovascular phenotype. Identifiers: MedGen CN230736.
Tibial muscular dystrophy (TMD). Also called: UDD MYOPATHY; Tibial muscular dystrophy, tardive; Udd Distal Myopathy – Tibial Muscular Dystrophy. Identifiers: Orphanet 609, MedGen C1838244, MONDO:0010870, OMIM 600334.
Early-onset myopathy with fatal cardiomyopathy (CMYO5). Also called: CONGENITAL MYOPATHY 5 WITH CARDIOMYOPATHY; Salih Myopathy. Identifiers: Orphanet 289377, MedGen C2673677, MONDO:0012714, OMIM 611705. Disease mechanism: loss of function.
Hypertrophic cardiomyopathy 9. Also called: Familial hypertrophic cardiomyopathy 9. Identifiers: MedGen C1861065, MONDO:0013412, OMIM 613765.
Myopathy, myofibrillar, 9, with early respiratory failure (MFM9). Also called: Myopathy, distal, with early respiratory failure, autosomal dominant; EDSTROM MYOPATHY; MYOPATHY, PROXIMAL, WITH EARLY RESPIRATORY MUSCLE INVOLVEMENT; Hereditary myopathy with early respiratory failure. Identifiers: Orphanet 178464, Orphanet 34521, MedGen C1863599, MONDO:0011362, OMIM 603689.

Allele frequency attached by ClinVar (database versions not stated): gnomAD exomes 0.00001; ExAC 0.00002.
gnomAD v4.1: 12 of 1,612,688 alleles (0.00074%); highest among the groups gnomAD compares: South Asian, 0.0022%; no homozygotes.

Submissions (4):

Labcorp Genetics (formerly Invitae), Labcorp
Classification: Uncertain significance for Dilated cardiomyopathy 1G; Autosomal recessive limb-girdle muscular dystrophy type 2J. Last evaluated: 2025-03-10. Review status: criteria provided, single submitter. Criteria: Invitae Variant Classification Sherloc (09022015). Collection method: clinical testing. Allele origin: germline.
Comment: This sequence change affects codon 947 of the TTN mRNA. It is a 'silent' change, meaning that it does not change the encoded amino acid sequence of the TTN protein. This variant also falls at the last nucleotide of exon 17, which is part of the consensus splice site for this exon. This variant is present in population databases (rs774074192, gnomAD 0.003%). This variant has not been reported in the literature in individuals affected with TTN-related conditions. ClinVar contains an entry for this variant (Variation ID: 1022583). Variants that disrupt the consensus splice site are a relatively common cause of aberrant splicing (PMID: 17576681, 9536098). Algorithms developed to predict the effect of sequence changes on RNA splicing suggest that this variant may disrupt the consensus splice site. This variant is located in the Z band of TTN (PMID: 25589632). Non-truncating variants in this region may be clinically relevant, but have not been definitively shown to cause cardiomyopathy or neuromuscular disease (PMID: 27493940, 32778822). In summary, the available evidence is currently insufficient to determine the role of this variant in disease. Therefore, it has been classified as a Variant of Uncertain Significance.

Blueprint Genetics
Classification: Uncertain significance. Last evaluated: 2024-08-28. Review status: criteria provided, single submitter. Criteria: ACMG Guidelines, 2015. Collection method: clinical testing. Allele origin: germline.

Ambry Genetics
Classification: Uncertain significance for Cardiovascular phenotype. Last evaluated: 2023-11-10. Review status: criteria provided, single submitter. Criteria: Ambry Variant Classification Scheme 2023. Collection method: clinical testing. Allele origin: germline.
Comment: The c.2703G>A variant (also known as p.S901S) is located in coding exon 15 of the TTN gene. This variant results from a G to A substitution at nucleotide position 2703. This nucleotide substitution does not change the serine at codon 901. However, this change occurs in the last base pair of coding exon 15, which makes it likely to have some effect on normal mRNA splicing. This nucleotide position is not well conserved in available vertebrate species. In silico splice site analysis predicts that this alteration may weaken the native splice donor site. Since supporting evidence is limited at this time, the clinical significance of this alteration remains unclear.

Department of Pathology and Laboratory Medicine, Sinai Health System
Classification: Uncertain significance for Tibial muscular dystrophy; Myopathy, myofibrillar, 9, with early respiratory failure; Dilated cardiomyopathy 1G; Autosomal recessive limb-girdle muscular dystrophy type 2J; Early-onset myopathy with fatal cardiomyopathy; Hypertrophic cardiomyopathy 9. Last evaluated: 2022-03-25. Review status: criteria provided, single submitter. Criteria: ACMG Guidelines, 2015. Collection method: research. Allele origin: germline.

Literature cited by the submitters: PubMed 17576681 (cited by Labcorp Genetics (formerly Invitae), Labcorp); PubMed 9536098 (cited by Labcorp Genetics (formerly Invitae), Labcorp); PubMed 25589632 (cited by Labcorp Genetics (formerly Invitae), Labcorp and Ambry Genetics); PubMed 27493940 (cited by Labcorp Genetics (formerly Invitae), Labcorp); PubMed 32778822 (cited by Labcorp Genetics (formerly Invitae), Labcorp); PubMed 23975875 (cited by Ambry Genetics).

NM_001267550.2(TTN):c.2841G>A (p.Ser947=)

Gene: TTN (titin; minus strand). Cytogenetic location: 2q31.2.
Variant type: single nucleotide variant.
Coding change: c.2841G>A on transcript NM_001267550.2 (MANE Select); coding-DNA position 2841, G replaced by A.
Protein change: p.Ser947=; no amino-acid change (serine 947 retained).
Molecular consequence: synonymous variant.
Genome position (GRCh38, 1-based): chr2:178,783,720, C>T on the plus strand (G>A on the coding strand, the complement: TTN is on the minus strand). VCF-style: chr2-178783720-C-T. GRCh37 (hg19) VCF-style: chr2-179648447-C-T.
Other names: c.2841G>A, p.Ser947= (NM_001256850.1, NM_133378.4, NM_133379.5); c.2703G>A, p.Ser901= (NM_003319.4, NM_133432.3, NM_133437.4).
Identifiers: ClinVar variation 1022583 (VCV001022583.12), dbSNP rs774074192, ClinGen allele CA2005712.
Genomic context (GRCh38, chr2:178,783,720, plus strand): 5'-GTATTAAAATGATTTGAGGAGATATGAATAGGGTCCAGCATTATCAACTTCTTTACTCAC[C>T]GAGACCAAAGTTGGTGGAGTAACAGGAATTTCAACAGGTGCTGGTACTCTTGCTGTTTCT-3'
Protein context (NP_001254479.2, residues 937-957): EIPVTPPTLV[Ser947=]GLKNVTVIEG